The following is an entry in ClinVar:

NM_015137.6(EFR3A):c.2023A>G (p.Ser675Gly)

Gene: EFR3A (EFR3 homolog A; plus strand). Cytogenetic location: 8q24.22.
Variant type: single nucleotide variant.
Coding change: c.2023A>G on transcript NM_015137.6 (MANE Select); coding-DNA position 2023, A replaced by G.
Protein change: p.Ser675Gly; replaces serine 675 with glycine.
Molecular consequence: missense variant. On other transcripts: non-coding transcript variant (2).
Genome position (GRCh38, 1-based): chr8:131,987,660, A>G. VCF-style: chr8-131987660-A-G. GRCh37 (hg19) VCF-style: chr8-132999907-A-G.
Other names: c.1915A>G, p.Ser639Gly (NM_001323553.2, NM_001323554.2, NM_001323555.2 and 2 more transcripts); c.2023A>G, p.Ser675Gly (NM_001323558.2); short protein forms S639G, S675G.
Identifiers: ClinVar variation 3050086 (VCV003050086.2), dbSNP rs138240878, ClinGen allele CA4879263.

ClinVar aggregate classification (germline): Likely benign (0 of 4 stars; one submission).

Conditions:
EFR3A-related disorder. Also called: EFR3A-related condition.

Allele frequency attached by ClinVar (database versions not stated): gnomAD exomes 0.00009; ExAC 0.00053; gnomAD 0.00076; 1000 Genomes Project 30x 0.00078; 1000 Genomes Project 0.00080; TOPMed 0.00095; ESP Exome Variant Server 0.00123.
gnomAD v4.1: 237 of 1,596,990 alleles (0.015%); highest among the groups gnomAD compares: African/African-American, 0.3%; no homozygotes.

Submission:

PreventionGenetics, part of Exact Sciences
Classification: Likely benign for EFR3A-related condition. Last evaluated: 2022-02-18. Review status: no assertion criteria provided. Collection method: clinical testing. Allele origin: germline.
Comment: This variant is classified as likely benign based on ACMG/AMP sequence variant interpretation guidelines (Richards et al. 2015 PMID: 25741868, with internal and published modifications).